The following is an entry in ClinVar:

NM_001384474.1(LOXHD1):c.6268C>T (p.Arg2090Trp)

Gene: LOXHD1 (lipoxygenase homology PLAT domains 1; minus strand). Cytogenetic location: 18q21.1.
Variant type: single nucleotide variant.
Coding change: c.6268C>T on transcript NM_001384474.1 (MANE Select); coding-DNA position 6268, C replaced by T.
Protein change: p.Arg2090Trp; replaces arginine 2090 with tryptophan.
Molecular consequence: missense variant.
Genome position (GRCh38, 1-based): chr18:46,483,660, G>A on the plus strand (C>T on the coding strand, the complement: LOXHD1 is on the minus strand). VCF-style: chr18-46483660-G-A. GRCh37 (hg19) VCF-style: chr18-44063623-G-A.
Other names: c.2935C>T, p.Arg979Trp (NM_001145472.3); c.985C>T, p.Arg329Trp (NM_001145473.3, NM_001173129.2); c.2647C>T, p.Arg883Trp (NM_001308013.2); c.6082C>T, p.Arg2028Trp (NM_144612.7); short protein forms R2028W, R883W, R329W, R979W, R2090W.
Identifiers: ClinVar variation 505029 (VCV000505029.5), dbSNP rs569341831, ClinGen allele CA8952061.

ClinVar aggregate classification (germline): Uncertain significance. Review status: criteria provided, single submitter (1 of 4 stars). 2 submissions from 2 submitters: Uncertain significance (1). 1 of the submissions does not count toward it. Last evaluated 2016-05-10.

Conditions:
Autosomal recessive nonsyndromic hearing loss 77. Identifiers: Orphanet 90636, MedGen C2746083, MONDO:0013119, OMIM 613079.

Allele frequency attached by ClinVar (database versions not stated): TOPMed 0.00004; 1000 Genomes Project 0.00020; 1000 Genomes Project 30x 0.00031; ExAC 0.00064.
gnomAD v4.1: 145 of 1,551,648 alleles (0.0093%); highest among the groups gnomAD compares: South Asian, 0.15%; no homozygotes.

Submissions (2):

Laboratory for Molecular Medicine, Mass General Brigham Personalized Medicine
Classification: Uncertain significance. Last evaluated: 2016-05-10. Review status: criteria provided, single submitter. Criteria: LMM Criteria. Collection method: clinical testing. Allele origin: germline. Observed: 1 variant allele.
Comment: Variant classified as Uncertain Significance - Favor Benign. The p.Arg2028Trp va riant in LOXHD1 has not been previously reported in individuals with hearing los s, but has been identified in 0.2% (14/7914) of South Asian chromosomes by the E xome Aggregation Consortium (ExAC; dbSNP rs56934 1831). The arginine (Arg) at position 2028 is not highly conserved in mammals an d evolutionary distant species, and 1 mammal (David's myotis bat) carries a tryp tophan (Trp) at this position, raising the possibility that this change at this position may be tolerated. Additional computational prediction tools do not prov ide strong support for or against an impact to the protein. In summary, while th e clinical significance of the p.Arg2028Trp variant is uncertain, these data sug gest that it is more likely to be benign.

Natera, Inc.
Classification: Uncertain significance for Autosomal recessive deafness type 77. Last evaluated: 2020-01-17. Review status: no assertion criteria provided. Collection method: clinical testing. Allele origin: germline. Not counted in ClinVar's aggregate classification.